The following is an entry in ClinVar:

ClinVar aggregate classification (germline): Uncertain significance. Review status: criteria provided, multiple submitters, no conflicts (2 of 4 stars). 2 submissions from 2 submitters: Uncertain significance (2). Last evaluated 2025-11-04.

Allele frequency attached by ClinVar (database versions not stated): gnomAD 0.00003; 1000 Genomes Project 30x 0.00016; 1000 Genomes Project 0.00020; ExAC 0.00020.
gnomAD v4.1: 126 of 1,613,584 alleles (0.0078%); highest among the groups gnomAD compares: South Asian, 0.14%; 1 homozygote.

Submissions (2):

Labcorp Genetics (formerly Invitae), Labcorp
Classification: Uncertain significance. Last evaluated: 2025-11-04. Review status: criteria provided, single submitter. Criteria: Invitae Variant Classification Sherloc (09022015). Collection method: clinical testing. Allele origin: germline.
Comment: This sequence change replaces serine, which is neutral and polar, with proline, which is neutral and non-polar, at codon 25 of the FLRT3 protein (p.Ser25Pro). This variant is present in population databases (rs555716633, gnomAD 0.1%), and has an allele count higher than expected for a pathogenic variant. This variant has not been reported in the literature in individuals affected with FLRT3-related conditions. ClinVar contains an entry for this variant (Variation ID: 2597729). Invitae Evidence Modeling of protein sequence and biophysical properties (such as structural, functional, and spatial information, amino acid conservation, physicochemical variation, residue mobility, and thermodynamic stability) indicates that this missense variant is not expected to disrupt FLRT3 protein function with a negative predictive value of 80%. In summary, the available evidence is currently insufficient to determine the role of this variant in disease. Therefore, it has been classified as a Variant of Uncertain Significance.

Ambry Genetics
Classification: Uncertain significance. Last evaluated: 2023-08-15. Review status: criteria provided, single submitter. Criteria: Ambry Variant Classification Scheme 2023. Collection method: clinical testing. Allele origin: germline.

NM_198391.3(FLRT3):c.73T>C (p.Ser25Pro)

Genes: FLRT3 (fibronectin leucine rich transmembrane protein 3; minus strand), MACROD2 (mono-ADP ribosylhydrolase 2; plus strand). Cytogenetic location: 20p12.1.
Variant type: single nucleotide variant.
Coding change: c.73T>C on transcript NM_198391.3 (MANE Select); coding-DNA position 73, T replaced by C.
Protein change: p.Ser25Pro; replaces serine 25 with proline.
Molecular consequence: missense variant. On other transcripts: intron variant (3).
Genome position (GRCh38, 1-based): chr20:14,327,434, A>G on the plus strand (T>C on the coding strand, the complement: FLRT3 is on the minus strand). VCF-style: chr20-14327434-A-G. GRCh37 (hg19) VCF-style: chr20-14308080-A-G.
Other names: c.73T>C, p.Ser25Pro (NM_013281.4); c.272-166045A>G (NM_001351661.2, NM_001351663.2, NM_080676.6); short protein forms S25P.
Identifiers: ClinVar variation 2597729 (VCV002597729.3), dbSNP rs555716633, ClinGen allele CA9769083.